The following is an entry in ClinVar:

ClinVar aggregate classification (germline): Uncertain significance. Review status: criteria provided, multiple submitters, no conflicts (2 of 4 stars). 3 submissions from 3 submitters: Uncertain significance (3). Last evaluated 2026-02-02.

Conditions:
Autosomal recessive Alport syndrome (ATS2). Also called: Alport syndrome type 2; COL4A3-Related Nephropathy; COL4A4 Alport Syndrome and Thin Basement Membrane Nephropathy; ALPORT SYNDROME 2, AUTOSOMAL RECESSIVE. Identifiers: Orphanet 63, Orphanet 88919, MedGen C4746745, MONDO:0008762, OMIM 203780.
Hematuria, benign familial, 1 (BFH1). Also called: THIN MEMBRANE NEPHROPATHY. Identifiers: MedGen CN376803, MONDO:0007709, OMIM 141200.

Submissions (3):

Labcorp Genetics (formerly Invitae), Labcorp
Classification: Uncertain significance. Last evaluated: 2026-02-02. Review status: criteria provided, single submitter. Criteria: Invitae Variant Classification Sherloc (09022015). Collection method: clinical testing. Allele origin: germline.
Comment: This sequence change replaces valine, which is neutral and non-polar, with glycine, which is neutral and non-polar, at codon 860 of the COL4A4 protein (p.Val860Gly). This variant is present in population databases (rs776182609, gnomAD 0.02%). This variant has not been reported in the literature in individuals affected with COL4A4-related conditions. ClinVar contains an entry for this variant (Variation ID: 3585831). Invitae Evidence Modeling of protein sequence and biophysical properties (such as structural, functional, and spatial information, amino acid conservation, physicochemical variation, residue mobility, and thermodynamic stability) indicates that this missense variant is not expected to disrupt COL4A4 protein function with a negative predictive value of 95%. In summary, the available evidence is currently insufficient to determine the role of this variant in disease. Therefore, it has been classified as a Variant of Uncertain Significance.

GeneDx
Classification: Uncertain significance. Last evaluated: 2025-03-02. Review status: criteria provided, single submitter. Criteria: GeneDx Variant Classification Process June 2021. Collection method: clinical testing. Allele origin: germline. Affected: yes.
Comment: In silico analysis indicates that this missense variant does not alter protein structure/function; Occurs in the triple helical domain at the Y position in the canonical Gly-X-Y repeat; although this variant may have an effect on normal protein folding and function, missense substitution at the Y position is not a common mechanism of disease; Has not been previously published as pathogenic or benign to our knowledge

Fulgent Genetics
Classification: Uncertain significance for Hematuria, benign familial, 1; Autosomal recessive Alport syndrome. Last evaluated: 2024-03-19. Review status: criteria provided, single submitter. Criteria: ACMG Guidelines, 2015. Collection method: clinical testing. Allele origin: germline.

NM_000092.5(COL4A4):c.2579T>G (p.Val860Gly)

Gene: COL4A4 (collagen type IV alpha 4 chain; minus strand). Cytogenetic location: 2q36.3.
Variant type: single nucleotide variant.
Coding change: c.2579T>G on transcript NM_000092.5 (MANE Select); coding-DNA position 2579, T replaced by G.
Protein change: p.Val860Gly; replaces valine 860 with glycine.
Molecular consequence: missense variant.
Genome position (GRCh38, 1-based): chr2:227,056,082, A>C on the plus strand (T>G on the coding strand, the complement: COL4A4 is on the minus strand). VCF-style: chr2-227056082-A-C. GRCh37 (hg19) VCF-style: chr2-227920798-A-C.
Other names: short protein forms V860G.
Identifiers: ClinVar variation 3585831 (VCV003585831.4).